The following is an entry in ClinVar:

ClinVar aggregate classification (germline): Uncertain significance. Review status: criteria provided, multiple submitters, no conflicts (2 of 4 stars). 2 submissions from 2 submitters: Uncertain significance (2). Last evaluated 2024-01-27.

Conditions:
Inborn genetic diseases. Identifiers: MedGen C0950123, MeSH D030342.

Allele frequency attached by ClinVar (database versions not stated): ExAC 0.00002.
gnomAD v4.1: 17 of 1,614,180 alleles (0.0011%); highest among the groups gnomAD compares: Middle Eastern, 0.017%; no homozygotes.

Submissions (2):

Labcorp Genetics (formerly Invitae), Labcorp
Classification: Uncertain significance. Last evaluated: 2024-01-27. Review status: criteria provided, single submitter. Criteria: Invitae Variant Classification Sherloc (09022015). Collection method: clinical testing. Allele origin: germline.
Comment: This sequence change replaces glutamic acid, which is acidic and polar, with alanine, which is neutral and non-polar, at codon 1159 of the CTR9 protein (p.Glu1159Ala). This variant is present in population databases (rs774578513, gnomAD 0.004%). This variant has not been reported in the literature in individuals affected with CTR9-related conditions. An algorithm developed to predict the effect of missense changes on protein structure and function (PolyPhen-2) suggests that this variant is likely to be tolerated. In summary, the available evidence is currently insufficient to determine the role of this variant in disease. Therefore, it has been classified as a Variant of Uncertain Significance.

Ambry Genetics
Classification: Uncertain significance for Inborn genetic diseases. Last evaluated: 2022-06-29. Review status: criteria provided, single submitter. Criteria: Ambry Variant Classification Scheme 2023. Collection method: clinical testing. Allele origin: germline.

NM_014633.5(CTR9):c.3476A>C (p.Glu1159Ala)

Gene: CTR9 (CTR9 component of Paf1/RNA polymerase II complex; plus strand). Cytogenetic location: 11p15.4.
Variant type: single nucleotide variant.
Coding change: c.3476A>C on transcript NM_014633.5 (MANE Select); coding-DNA position 3476, A replaced by C.
Protein change: p.Glu1159Ala; replaces glutamic acid 1159 with alanine.
Molecular consequence: missense variant.
Genome position (GRCh38, 1-based): chr11:10,779,059, A>C. VCF-style: chr11-10779059-A-C. GRCh37 (hg19) VCF-style: chr11-10800606-A-C.
Other names: c.3404A>C, p.Glu1135Ala (NM_001346279.2); c.3476A>C (NM_014633.3); short protein forms E1159A, E1135A.
Identifiers: ClinVar variation 2886809 (VCV002886809.4), dbSNP rs774578513, ClinGen allele CA5885601.